The following is an entry in ClinVar:

ClinVar aggregate classification (germline): Likely benign (1 of 4 stars; one submission).

Submission:

CeGaT Center for Human Genetics Tuebingen
Classification: Likely benign. Last evaluated: 2026-05-01. Review status: criteria provided, single submitter. Criteria: CeGaT Center For Human Genetics Tuebingen Variant Classification Criteria Version 2. Collection method: clinical testing. Allele origin: germline. Affected: yes. Observed: 1 variant allele.
Comment: KIF26A: BP4, BP7

NM_015656.2(KIF26A):c.2991C>T (p.Ala997=)

Gene: KIF26A (kinesin family member 26A; plus strand). Cytogenetic location: 14q32.33.
Variant type: single nucleotide variant.
Coding change: c.2991C>T on transcript NM_015656.2 (MANE Select); coding-DNA position 2991, C replaced by T.
Protein change: p.Ala997=; no amino-acid change (alanine 997 retained).
Molecular consequence: synonymous variant.
Genome position (GRCh38, 1-based): chr14:104,175,779, C>T. VCF-style: chr14-104175779-C-T. GRCh37 (hg19) VCF-style: chr14-104642116-C-T.
Identifiers: ClinVar variation 4874995 (VCV004874995.2).